The following is an entry in ClinVar:

ClinVar aggregate classification (germline): Conflicting classifications of pathogenicity. Review status: criteria provided, conflicting classifications (1 of 4 stars). 3 submissions from 3 submitters: Uncertain significance (1); Likely benign (1). 1 of the submissions does not count toward it. Last evaluated 2026-01-27.

Conditions:
TF-related disorder. Also called: TF-related condition.
Atransferrinemia. Also called: Familial hypotransferrinemia. Identifiers: Orphanet 1195, MedGen C0521802, MONDO:0008846, OMIM 209300, HP:0012239.

Allele frequency attached by ClinVar (database versions not stated): ESP Exome Variant Server 0.00015; 1000 Genomes Project 30x 0.00016; 1000 Genomes Project 0.00020; gnomAD exomes 0.00020 and 0.00037; gnomAD 0.00028 and 0.00030; ExAC 0.00030; TOPMed 0.00040.
gnomAD v4.1: 357 of 1,614,178 alleles (0.022%); highest among the groups gnomAD compares: Middle Eastern, 0.13%; no homozygotes.

Submissions (3):

Labcorp Genetics (formerly Invitae), Labcorp
Classification: Likely benign. Last evaluated: 2026-01-27. Review status: criteria provided, single submitter. Criteria: Invitae Variant Classification Sherloc (09022015). Collection method: clinical testing. Allele origin: germline.

Illumina Laboratory Services, Illumina
Classification: Uncertain significance for Atransferrinemia. Last evaluated: 2018-01-12. Review status: criteria provided, single submitter. Criteria: ICSL Variant Classification Criteria 13 December 2019. Collection method: clinical testing. Allele origin: germline.

PreventionGenetics, part of Exact Sciences
Classification: Likely benign for TF-related condition. Last evaluated: 2019-04-30. Review status: no assertion criteria provided. Collection method: clinical testing. Allele origin: germline. Not counted in ClinVar's aggregate classification.
Comment: This variant is classified as likely benign based on ACMG/AMP sequence variant interpretation guidelines (Richards et al. 2015 PMID: 25741868, with internal and published modifications).

NM_001063.4(TF):c.119G>A (p.Ser40Asn)

Gene: TF (transferrin; plus strand). Cytogenetic location: 3q22.1.
Variant type: single nucleotide variant.
Coding change: c.119G>A on transcript NM_001063.4 (MANE Select); coding-DNA position 119, G replaced by A.
Protein change: p.Ser40Asn; replaces serine 40 with asparagine.
Molecular consequence: missense variant. On other transcripts: 5 prime UTR variant (1), intron variant (1).
Genome position (GRCh38, 1-based): chr3:133,748,487, G>A. VCF-style: chr3-133748487-G-A. GRCh37 (hg19) VCF-style: chr3-133467331-G-A.
Other names: c.-14G>A (NM_001354703.2); c.-166+2004G>A (NM_001354704.2); short protein forms S40N.
Identifiers: ClinVar variation 343424 (VCV000343424.13), dbSNP rs146477698, ClinGen allele CA2624867.